The following is an entry in ClinVar:

NM_001040616.3(LINS1):c.2027A>G (p.Glu676Gly)

Gene: LINS1 (lines homolog 1; minus strand). Cytogenetic location: 15q26.3.
Variant type: single nucleotide variant.
Coding change: c.2027A>G on transcript NM_001040616.3 (MANE Select); coding-DNA position 2027, A replaced by G.
Protein change: p.Glu676Gly; replaces glutamic acid 676 with glycine.
Molecular consequence: missense variant. On other transcripts: non-coding transcript variant (3).
Genome position (GRCh38, 1-based): chr15:100,569,485, T>C on the plus strand (A>G on the coding strand, the complement: LINS1 is on the minus strand). VCF-style: chr15-100569485-T-C. GRCh37 (hg19) VCF-style: chr15-101109690-T-C.
Other names: c.1280A>G, p.Glu427Gly (NM_001352507.2); c.1874A>G, p.Glu625Gly (NM_001352508.2); short protein forms E676G, E427G, E625G.
Identifiers: ClinVar variation 589536 (VCV000589536.8), dbSNP rs150348863, ClinGen allele CA7759280.

ClinVar aggregate classification (germline): Conflicting classifications of pathogenicity. Review status: criteria provided, conflicting classifications (1 of 4 stars). 2 submissions from 2 submitters: Uncertain significance (1); Likely benign (1). Last evaluated 2019-09-10.

Conditions:
Inborn genetic diseases. Identifiers: MedGen C0950123, MeSH D030342.

Allele frequency attached by ClinVar (database versions not stated): gnomAD exomes 0.00009 and 0.00027; ExAC 0.00040; ESP Exome Variant Server 0.00092; TOPMed 0.00094; gnomAD 0.00100 and 0.00101; 1000 Genomes Project 30x 0.00156; 1000 Genomes Project 0.00200.
gnomAD v4.1: 286 of 1,614,196 alleles (0.018%); highest among the groups gnomAD compares: African/African-American, 0.32%; 3 homozygotes.

Submissions (2):

Ambry Genetics
Classification: Uncertain significance for Inborn genetic diseases. Last evaluated: 2019-09-10. Review status: criteria provided, single submitter. Criteria: Ambry Variant Classification Scheme 2023. Collection method: clinical testing. Allele origin: germline.
Comment: The p.E676G variant (also known as c.2027A>G), located in coding exon 6 of the LINS gene, results from an A to G substitution at nucleotide position 2027. The glutamic acid at codon 676 is replaced by glycine, an amino acid with similar properties. This amino acid position is not well conserved in available vertebrate species. In addition, this alteration is predicted to be tolerated by in silico analysis. Since supporting evidence is limited at this time, the clinical significance of this alteration remains unclear.

Labcorp Genetics (formerly Invitae), Labcorp
Classification: Likely benign. Last evaluated: 2018-07-16. Review status: criteria provided, single submitter. Criteria: Invitae Variant Classification Sherloc (09022015). Collection method: clinical testing. Allele origin: germline.